The following is an entry in ClinVar:

NM_183381.3(RNF13):c.274A>T (p.Thr92Ser)

Gene: RNF13 (ring finger protein 13; plus strand). Cytogenetic location: 3q25.1.
Variant type: single nucleotide variant.
Coding change: c.274A>T on transcript NM_183381.3 (MANE Select); coding-DNA position 274, A replaced by T.
Protein change: p.Thr92Ser; replaces threonine 92 with serine.
Molecular consequence: missense variant. On other transcripts: 5 prime UTR variant (6), non-coding transcript variant (1).
Genome position (GRCh38, 1-based): chr3:149,872,107, A>T. VCF-style: chr3-149872107-A-T. GRCh37 (hg19) VCF-style: chr3-149589894-A-T.
Other names: c.274A>T, p.Thr92Ser (NM_001378285.1, NM_001378286.1, NM_007282.4); c.-94A>T (NM_001378287.1, NM_001378288.1, NM_001378289.1 and 2 more transcripts); c.-120A>T (NM_001378291.1); short protein forms T92S.
Identifiers: ClinVar variation 2474768 (VCV002474768.5), dbSNP rs199679843, ClinGen allele CA355010296.

ClinVar aggregate classification (germline): Uncertain significance. Review status: criteria provided, multiple submitters, no conflicts (2 of 4 stars). 2 submissions from 2 submitters: Uncertain significance (2). Last evaluated 2024-07-11.

Allele frequency attached by ClinVar (database versions not stated): gnomAD exomes 0.00001.
gnomAD v4.1: 7 of 1,602,014 alleles (0.00044%); highest among the groups gnomAD compares: Non-Finnish European, 0.0006%; no homozygotes.

Submissions (2):

Labcorp Genetics (formerly Invitae), Labcorp
Classification: Uncertain significance. Last evaluated: 2024-07-11. Review status: criteria provided, single submitter. Criteria: Invitae Variant Classification Sherloc (09022015). Collection method: clinical testing. Allele origin: germline.
Comment: This sequence change replaces threonine, which is neutral and polar, with serine, which is neutral and polar, at codon 92 of the RNF13 protein (p.Thr92Ser). This variant is not present in population databases (gnomAD no frequency). This variant has not been reported in the literature in individuals affected with RNF13-related conditions. ClinVar contains an entry for this variant (Variation ID: 2474768). Advanced modeling of protein sequence and biophysical properties (such as structural, functional, and spatial information, amino acid conservation, physicochemical variation, residue mobility, and thermodynamic stability) performed at Invitae indicates that this missense variant is not expected to disrupt RNF13 protein function with a negative predictive value of 80%. In summary, the available evidence is currently insufficient to determine the role of this variant in disease. Therefore, it has been classified as a Variant of Uncertain Significance.

Ambry Genetics
Classification: Uncertain significance. Last evaluated: 2023-01-10. Review status: criteria provided, single submitter. Criteria: Ambry Variant Classification Scheme 2023. Collection method: clinical testing. Allele origin: germline.